The following is an entry in ClinVar:

NM_021620.4(PRDM13):c.770G>A (p.Arg257His)

Gene: PRDM13 (PR/SET domain 13; plus strand). Cytogenetic location: 6q16.2.
Variant type: single nucleotide variant.
Coding change: c.770G>A on transcript NM_021620.4 (MANE Select); coding-DNA position 770, G replaced by A.
Protein change: p.Arg257His; replaces arginine 257 with histidine.
Molecular consequence: missense variant.
Genome position (GRCh38, 1-based): chr6:99,613,405, G>A. VCF-style: chr6-99613405-G-A. GRCh37 (hg19) VCF-style: chr6-100061281-G-A.
Other names: short protein forms R257H.
Identifiers: ClinVar variation 4778109 (VCV004778109.1).
Genomic context (GRCh38, chr6:99,613,405, plus strand): 5'-CCACCTCGCCGACCCCAGGCAAGTGGGGGCAGCCCAAGAAGGGCAAGGAGCAGCTGGACC[G>A]TGCCCTGGACATGAGCGGAGCCGCCCGAGGACAAGGGCACTTCCTCGGCATCGTGGGCGG-3'
Protein context (NP_067633.2, residues 247-267): QPKKGKEQLD[Arg257His]ALDMSGAARG

ClinVar aggregate classification (germline): Uncertain significance (1 of 4 stars; one submission).

gnomAD v4.1: 39 of 1,557,110 alleles (0.0025%); highest among the groups gnomAD compares: East Asian, 0.089%; no homozygotes.

Submission:

Labcorp Genetics (formerly Invitae), Labcorp
Classification: Uncertain significance. Last evaluated: 2025-08-10. Review status: criteria provided, single submitter. Criteria: Invitae Variant Classification Sherloc (09022015). Collection method: clinical testing. Allele origin: germline.
Comment: This sequence change replaces arginine, which is basic and polar, with histidine, which is basic and polar, at codon 257 of the PRDM13 protein (p.Arg257His). The frequency data for this variant in the population databases is considered unreliable, as metrics indicate poor data quality at this position in the gnomAD database. This variant has not been reported in the literature in individuals affected with PRDM13-related conditions. An algorithm developed to predict the effect of missense changes on protein structure and function (PolyPhen-2) suggests that this variant is likely to be disruptive. In summary, the available evidence is currently insufficient to determine the role of this variant in disease. Therefore, it has been classified as a Variant of Uncertain Significance.